The following is an entry in ClinVar:

NM_000368.5(TSC1):c.228_235del (p.Asn77fs)

Gene: TSC1 (TSC complex subunit 1; minus strand). Cytogenetic location: 9q34.13.
Variant type: Deletion.
Coding change: c.228_235del on transcript NM_000368.5 (MANE Select); coding-DNA positions 228 to 235, 8 bases deleted (TAACGAAT; older notation c.228_235delTAACGAAT).
Protein change: p.Asn77fs; shifts the reading frame from asparagine 77.
Molecular consequence: frameshift variant. On other transcripts: 5 prime UTR variant (1), intron variant (1).
Genome position (GRCh38, 1-based): chr9:132,925,715-132,925,722, ATTCGTTA deleted on the plus strand (TAACGAAT on the coding strand, the reverse complement: TSC1 is on the minus strand); deleting any 8 consecutive bases within chr9:132,925,715-132,925,724 gives the same sequence; the c. name uses the placement nearest the transcript's 3' end. VCF-style (leftmost placement, unchanged base first): chr9-132925714-TATTCGTTA-T. GRCh37 (hg19) VCF-style: chr9-135801101-TATTCGTTA-T.
Other names: c.228_235del, p.Asn77fs (NM_001162426.2); c.-136_-129del (NM_001362177.2); c.226_233delATTAACGA, p.Asn77Cysfs (NM_001406592.1, NM_001406593.1, NM_001406594.1 and 15 more transcripts); c.-230_-223delATTAACGA (NM_001406614.1, NM_001406616.1, NM_001406624.1); c.-263_-256delATTAACGA (NM_001406615.1, NM_001406623.1); c.-138_-131delATTAACGA (NM_001406617.1, NM_001406618.1, NM_001406619.1 and 4 more transcripts); c.-652_-645delATTAACGA (NM_001406626.1, NM_001406627.1, NM_001406628.1); c.-794_-787delATTAACGA (NM_001406629.1); and 2 more; short protein forms N77fs.
Identifiers: ClinVar variation 2015558 (VCV002015558.4), dbSNP rs2539077898, ClinGen allele CA2580080085.

ClinVar aggregate classification (germline): Pathogenic (1 of 4 stars; one submission).

Conditions:
Tuberous sclerosis 1 (TSC1). Identifiers: Orphanet 805, MedGen C1854465, MONDO:0008612, OMIM 191100.

Submission:

Labcorp Genetics (formerly Invitae), Labcorp
Classification: Pathogenic for Tuberous sclerosis 1. Last evaluated: 2022-11-08. Review status: criteria provided, single submitter. Criteria: Invitae Variant Classification Sherloc (09022015). Collection method: clinical testing. Allele origin: germline.
Comment: For these reasons, this variant has been classified as Pathogenic. This variant has not been reported in the literature in individuals affected with TSC1-related conditions. This variant is not present in population databases (gnomAD no frequency). This sequence change creates a premature translational stop signal (p.Asn77Cysfs*27) in the TSC1 gene. It is expected to result in an absent or disrupted protein product. Loss-of-function variants in TSC1 are known to be pathogenic (PMID: 10227394, 17304050).

Literature cited by the submitters: PubMed 10227394; PubMed 17304050.